The following is an entry in ClinVar:

ClinVar aggregate classification (germline): Likely pathogenic (1 of 4 stars; one submission).

Conditions:
Autosomal recessive nonsyndromic hearing loss 30. Identifiers: Orphanet 90636, MedGen C1846784, MONDO:0011774, OMIM 607101.

Allele frequency attached by ClinVar (database versions not stated): TOPMed below 0.00001; ExAC 0.00001; ESP Exome Variant Server 0.00008.
gnomAD v4.1: 10 of 1,613,674 alleles (0.00062%); highest among the groups gnomAD compares: South Asian, 0.0011%; no homozygotes.

Submission:

Neuberg Centre For Genomic Medicine, NCGM
Classification: Likely pathogenic for Autosomal recessive nonsyndromic hearing loss 30. Review status: criteria provided, single submitter. Criteria: ACMG Guidelines, 2015. Collection method: clinical testing. Allele origin: germline. Inheritance: Autosomal recessive inheritance. Affected: yes.
Comment: The stop gained variant c.1543C>T(p.Arg515Ter) in MYO3A gene has been reported in individual affected with autosomal recessive deafness (Dantas et. al., 2018). The observed variant has allele frequency of 0.0008% in gnomAD exomes database. This variant has not been submitted to the ClinVar database. The nucleotide change c.1543C>T in MYO3A is predicted as conserved by GERP++ and PhyloP across 100 vertebrates. This variant is predicted to cause loss of normal protein function through protein truncation. Loss of function variants have been previously reported to be disease causing. For these reasons, this variant has been classified as Likely Pathogenic.

NM_017433.5(MYO3A):c.1543C>T (p.Arg515Ter)

Gene: MYO3A (myosin IIIA; plus strand). Cytogenetic location: 10p12.1.
Variant type: single nucleotide variant.
Coding change: c.1543C>T on transcript NM_017433.5 (MANE Select); coding-DNA position 1543, C replaced by T.
Protein change: p.Arg515Ter; replaces arginine 515 with a stop codon.
Molecular consequence: nonsense.
Genome position (GRCh38, 1-based): chr10:26,088,386, C>T. VCF-style: chr10-26088386-C-T. GRCh37 (hg19) VCF-style: chr10-26377315-C-T.
Other names: short protein forms R515*.
Identifiers: ClinVar variation 3242023 (VCV003242023.1), dbSNP rs200822452.